The following is an entry in ClinVar:

ClinVar aggregate classification (germline): Likely pathogenic (1 of 4 stars; one submission).

Conditions:
Neuropathy, hereditary sensory and autonomic, type 2A (HSAN2A). Also called: ACROOSTEOLYSIS, GIACCAI TYPE; ACROOSTEOLYSIS, NEUROGENIC; MORVAN DISEASE; NEUROPATHY, CONGENITAL SENSORY; NEUROPATHY, HEREDITARY SENSORY RADICULAR, AUTOSOMAL RECESSIVE; NEUROPATHY, HEREDITARY SENSORY, TYPE IIA. Identifiers: Orphanet 970, MedGen C2752089, MONDO:0024309, OMIM 201300.
Pseudohypoaldosteronism type 2C (PHA2C). Also called: Pseudohypoaldosteronism Type IIC. Identifiers: Orphanet 757, Orphanet 88940, MedGen C1840391, MONDO:0013778, OMIM 614492.

Submission:

Labcorp Genetics (formerly Invitae), Labcorp
Classification: Likely pathogenic for Neuropathy, hereditary sensory and autonomic, type 2A; Pseudohypoaldosteronism type 2C. Last evaluated: 2022-09-18. Review status: criteria provided, single submitter. Criteria: Invitae Variant Classification Sherloc (09022015). Collection method: clinical testing. Allele origin: germline.
Comment: In summary, the currently available evidence indicates that the variant is pathogenic, but additional data are needed to prove that conclusively. Therefore, this variant has been classified as Likely Pathogenic. Algorithms developed to predict the effect of sequence changes on RNA splicing suggest that this variant may disrupt the consensus splice site. This variant has not been reported in the literature in individuals affected with WNK1-related conditions. This variant is not present in population databases (gnomAD no frequency). This sequence change affects an acceptor splice site in intron 10 of the WNK1 gene. It is expected to disrupt RNA splicing. Variants that disrupt the donor or acceptor splice site typically lead to a loss of protein function (PMID: 16199547), and loss-of-function variants in WNK1 are known to be pathogenic (PMID: 22910560).

Literature cited by the submitters: PubMed 16199547; PubMed 22910560.

NM_018979.4(WNK1):c.2140-2A>G

Gene: WNK1 (WNK lysine deficient protein kinase 1; plus strand). Cytogenetic location: 12p13.33.
Variant type: single nucleotide variant.
Coding change: c.2140-2A>G on transcript NM_018979.4 (MANE Select); the canonical splice acceptor site of the intron before coding-DNA position 2140, A replaced by G.
Molecular consequence: splice acceptor variant.
Genome position (GRCh38, 1-based): chr12:871,263, A>G. VCF-style: chr12-871263-A-G. GRCh37 (hg19) VCF-style: chr12-980429-A-G.
Other names: c.3634-2A>G (NM_213655.5); c.3379-2A>G (NM_001184985.2); c.2140-2A>G (NM_014823.3).
Identifiers: ClinVar variation 2031064 (VCV002031064.4), dbSNP rs2548836529, ClinGen allele CA383342738.
Genomic context (GRCh38, chr12:871,263, plus strand): 5'-CTGACCTCTATACACTTACTTTAGGCCTTCTCTAATTTGTTGTGTTCACTTCTTTCCTTC[A>G]GGCACAGGGGCAGAGCCAGGGTCAGCCATCCTCAAGTAGCTTAACAGGGGTTTCATCTTC-3'